The following is an entry in ClinVar:

NM_016341.4(PLCE1):c.599C>T (p.Thr200Ile)

Gene: PLCE1 (phospholipase C epsilon 1; plus strand). Cytogenetic location: 10q23.33.
Variant type: single nucleotide variant.
Coding change: c.599C>T on transcript NM_016341.4 (MANE Select); coding-DNA position 599, C replaced by T.
Protein change: p.Thr200Ile; replaces threonine 200 with isoleucine.
Molecular consequence: missense variant.
Genome position (GRCh38, 1-based): chr10:94,031,645, C>T. VCF-style: chr10-94031645-C-T. GRCh37 (hg19) VCF-style: chr10-95791402-C-T.
Other names: c.599C>T, p.Thr200Ile (NM_001288989.2); short protein forms T200I.
Identifiers: ClinVar variation 586321 (VCV000586321.9), dbSNP rs777436865, ClinGen allele CA5612148.

ClinVar aggregate classification (germline): Conflicting classifications of pathogenicity. Review status: criteria provided, conflicting classifications (1 of 4 stars). 3 submissions from 3 submitters: Uncertain significance (1); Likely benign (1). 1 of the submissions does not count toward it. Last evaluated 2025-11-29.

Conditions:
PLCE1-related disorder. Also called: PLCE1-related condition.

Allele frequency attached by ClinVar (database versions not stated): gnomAD 0.00002; gnomAD exomes 0.00007 and 0.00038; TOPMed 0.00017; ExAC 0.00037.
gnomAD v4.1: 108 of 1,613,686 alleles (0.0067%); highest among the groups gnomAD compares: Admixed American, 0.18%; no homozygotes.

Submissions (3):

Labcorp Genetics (formerly Invitae), Labcorp
Classification: Likely benign. Last evaluated: 2025-11-29. Review status: criteria provided, single submitter. Criteria: Invitae Variant Classification Sherloc (09022015). Collection method: clinical testing. Allele origin: germline.

Athena Diagnostics
Classification: Uncertain significance. Last evaluated: 2017-10-02. Review status: criteria provided, single submitter. Criteria: Athena Diagnostics Criteria. Collection method: clinical testing. Allele origin: germline.

PreventionGenetics, part of Exact Sciences
Classification: Likely benign for PLCE1-related condition. Last evaluated: 2024-01-12. Review status: no assertion criteria provided. Collection method: clinical testing. Allele origin: germline. Not counted in ClinVar's aggregate classification.
Comment: This variant is classified as likely benign based on ACMG/AMP sequence variant interpretation guidelines (Richards et al. 2015 PMID: 25741868, with internal and published modifications).